The following is an entry in ClinVar:

ClinVar aggregate classification (germline): Uncertain significance. Review status: criteria provided, multiple submitters, no conflicts (2 of 4 stars). 3 submissions from 3 submitters: Uncertain significance (3). Last evaluated 2026-04-25.

Conditions:
Charcot-Marie-Tooth disease type 2. Also called: Charcot-Marie-Tooth type 2. Identifiers: Orphanet 64746, MedGen C0270914, MONDO:0018993.

Allele frequency attached by ClinVar (database versions not stated): TOPMed below 0.00001.
gnomAD v4.1: 25 of 1,614,132 alleles (0.0015%); highest among the groups gnomAD compares: Non-Finnish European, 0.002%; no homozygotes.

Submissions (3):

Dasa
Classification: Uncertain significance. Last evaluated: 2026-04-25. Review status: criteria provided, single submitter. Criteria: DASA Assertion Criteria. Collection method: clinical testing. Allele origin: germline.
Comment: NM_001605.3(AARS):c.571C>T (p.His191Tyr) is a missense variant that results in the substitution of histidine with tyrosine. This variant is rare in population databases. Computational prediction algorithms are consistent with a deleterious effect. The currently available literature and clinical evidence are not sufficient to establish a definitive association between this variant and the reported condition. Therefore, this variant is classified as a variant of uncertain significance.

Labcorp Genetics (formerly Invitae), Labcorp
Classification: Uncertain significance for Charcot-Marie-Tooth disease type 2. Last evaluated: 2025-09-02. Review status: criteria provided, single submitter. Criteria: Invitae Variant Classification Sherloc (09022015). Collection method: clinical testing. Allele origin: germline.
Comment: This sequence change replaces histidine, which is basic and polar, with tyrosine, which is neutral and polar, at codon 191 of the AARS protein (p.His191Tyr). This variant is not present in population databases (gnomAD no frequency). This variant has not been reported in the literature in individuals affected with AARS-related conditions. ClinVar contains an entry for this variant (Variation ID: 1918494). Invitae Evidence Modeling of protein sequence and biophysical properties (such as structural, functional, and spatial information, amino acid conservation, physicochemical variation, residue mobility, and thermodynamic stability) indicates that this missense variant is not expected to disrupt AARS protein function with a negative predictive value of 95%. In summary, the available evidence is currently insufficient to determine the role of this variant in disease. Therefore, it has been classified as a Variant of Uncertain Significance.

GeneDx
Classification: Uncertain significance. Last evaluated: 2025-07-08. Review status: criteria provided, single submitter. Criteria: GeneDx Variant Classification Process June 2021. Collection method: clinical testing. Allele origin: germline. Affected: yes.
Comment: Not observed at significant frequency in large population cohorts (gnomAD); In silico analysis supports that this missense variant has a deleterious effect on protein structure/function; Has not been previously published as pathogenic or benign to our knowledge; This variant is associated with the following publications: (PMID: 25817015)

NM_001605.3(AARS1):c.571C>T (p.His191Tyr)

Gene: AARS1 (alanyl-tRNA synthetase 1; minus strand). Cytogenetic location: 16q22.1.
Variant type: single nucleotide variant.
Coding change: c.571C>T on transcript NM_001605.3 (MANE Select); coding-DNA position 571, C replaced by T.
Protein change: p.His191Tyr; replaces histidine 191 with tyrosine.
Molecular consequence: missense variant.
Genome position (GRCh38, 1-based): chr16:70,271,881, G>A on the plus strand (C>T on the coding strand, the complement: AARS1 is on the minus strand). VCF-style: chr16-70271881-G-A. GRCh37 (hg19) VCF-style: chr16-70305784-G-A.
Other names: short protein forms H191Y.
Identifiers: ClinVar variation 1918494 (VCV001918494.8), dbSNP rs1479571939, ClinGen allele CA396566792.
Genomic context (GRCh38, chr16:70,271,881, plus strand): 5'-CATTAGGGTCGTCCTGGTTGACAAGATGTGCGGCGTCCCGACCACCAATCCGGTCGTAGT[G>A]GATCTCACTGCAAGGACCACAGGGGCCCGTGTCACCCATCTCCCAGAAGTTATCCTTCAT-3'
Protein context (NP_001596.2, residues 181-201): TGPCGPCSEI[His191Tyr]YDRIGGRDAA